The following is an entry in ClinVar:

NM_000432.4(MYL2):c.431C>G (p.Pro144Arg)

Gene: MYL2 (myosin light chain 2; minus strand). Cytogenetic location: 12q24.11.
Variant type: single nucleotide variant.
Coding change: c.431C>G on transcript NM_000432.4 (MANE Select); coding-DNA position 431, C replaced by G.
Protein change: p.Pro144Arg; replaces proline 144 with arginine.
Molecular consequence: missense variant.
Genome position (GRCh38, 1-based): chr12:110,911,147, G>C on the plus strand (C>G on the coding strand, the complement: MYL2 is on the minus strand). VCF-style: chr12-110911147-G-C. GRCh37 (hg19) VCF-style: chr12-111348951-G-C.
Other names: short protein forms P144R.
Identifiers: ClinVar variation 837678 (VCV000837678.14), dbSNP rs755993281, ClinGen allele CA043017.
Genomic context (GRCh38, chr12:110,911,147, plus strand): 5'-TCTTCTCCGTGGGTGATGATGTGCACCAGGTTCTTGTAGTCCAAGTTGCCAGTCACGTCA[G>C]GGGGGAAGGCGGCGAACATCTGGTCAACCTGCAATGAGCCAGCAACACGTGCTAAGGACG-3'
Protein context (NP_000423.2, residues 134-154): EVDQMFAAFP[Pro144Arg]DVTGNLDYKN

ClinVar aggregate classification (germline): Uncertain significance. Review status: criteria provided, multiple submitters, no conflicts (2 of 4 stars). 4 submissions from 4 submitters: Uncertain significance (4). Last evaluated 2025-07-22.

Conditions:
Cardiovascular phenotype. Identifiers: MedGen CN230736.
Hypertrophic cardiomyopathy 10. Also called: MYL2-Related Familial Hypertrophic Cardiomyopathy; CARDIOMYOPATHY, HYPERTROPHIC, MID-LEFT VENTRICULAR CHAMBER TYPE, 2. Identifiers: MedGen C1834460, MONDO:0012112, OMIM 608758.
Cardiomyopathy (CMYO). Also called: Cardiomyopathies. Identifiers: Orphanet 167848, MedGen C0878544, MONDO:0004994, HP:0001638. Inheritance: Various modes of inheritance.

Allele frequency attached by ClinVar (database versions not stated): ExAC 0.00002; gnomAD exomes 0.00002.
gnomAD v4.1: 7 of 1,613,646 alleles (0.00043%); highest among the groups gnomAD compares: South Asian, 0.0011%; no homozygotes.

Submissions (4):

Color Diagnostics, LLC DBA Color Health
Classification: Uncertain significance for Cardiomyopathy. Last evaluated: 2025-07-22. Review status: criteria provided, single submitter. Criteria: ACMG Guidelines, 2015. Collection method: clinical testing. Allele origin: germline.
Comment: This missense variant replaces proline with arginine at codon 144 of the MYL2 protein. Computational prediction suggests that this variant may have a deleterious impact on protein structure and function. To our knowledge, functional studies have not been reported for this variant. This variant has not been reported in individuals affected with MYL2-related disorders in the literature. This variant has been identified in 4/248906 chromosomes in the general population by the Genome Aggregation Database (gnomAD). The available evidence is insufficient to determine the role of this variant in disease conclusively. Therefore, this variant is classified as a Variant of Uncertain Significance.

Labcorp Genetics (formerly Invitae), Labcorp
Classification: Uncertain significance for Hypertrophic cardiomyopathy 10. Last evaluated: 2025-03-16. Review status: criteria provided, single submitter. Criteria: Invitae Variant Classification Sherloc (09022015). Collection method: clinical testing. Allele origin: germline.
Comment: This sequence change replaces proline, which is neutral and non-polar, with arginine, which is basic and polar, at codon 144 of the MYL2 protein (p.Pro144Arg). This variant is present in population databases (rs755993281, gnomAD 0.003%). This variant has not been reported in the literature in individuals affected with MYL2-related conditions. ClinVar contains an entry for this variant (Variation ID: 837678). An algorithm developed to predict the effect of missense changes on protein structure and function (PolyPhen-2) suggests that this variant is likely to be disruptive. In summary, the available evidence is currently insufficient to determine the role of this variant in disease. Therefore, it has been classified as a Variant of Uncertain Significance.

Ambry Genetics
Classification: Uncertain significance for Cardiovascular phenotype. Last evaluated: 2024-06-21. Review status: criteria provided, single submitter. Criteria: Ambry Variant Classification Scheme 2023. Collection method: clinical testing. Allele origin: germline.
Comment: The p.P144R variant (also known as c.431C>G), located in coding exon 7 of the MYL2 gene, results from a C to G substitution at nucleotide position 431. The proline at codon 144 is replaced by arginine, an amino acid with dissimilar properties. This amino acid position is conserved. In addition, this alteration is predicted to be deleterious by in silico analysis. Based on the available evidence, the clinical significance of this variant remains unclear.

GeneDx
Classification: Uncertain significance. Last evaluated: 2019-11-04. Review status: criteria provided, single submitter. Criteria: GeneDx Variant Classification Process June 2021. Collection method: clinical testing. Allele origin: germline. Affected: yes.
Comment: Has not been previously published as pathogenic or benign to our knowledge; Not observed at a significant frequency in large population cohorts (Lek et al., 2016); In silico analysis, which includes protein predictors and evolutionary conservation, supports a deleterious effect